The following is an entry in ClinVar:

NM_003107.3(SOX4):c.730G>T (p.Ala244Ser)

Gene: SOX4 (SRY-box transcription factor 4; plus strand). Cytogenetic location: 6p22.3.
Variant type: single nucleotide variant.
Coding change: c.730G>T on transcript NM_003107.3 (MANE Select); coding-DNA position 730, G replaced by T.
Protein change: p.Ala244Ser; replaces alanine 244 with serine.
Molecular consequence: missense variant.
Genome position (GRCh38, 1-based): chr6:21,595,264, G>T. VCF-style: chr6-21595264-G-T. GRCh37 (hg19) VCF-style: chr6-21595495-G-T.
Other names: short protein forms A244S.
Identifiers: ClinVar variation 3167789 (VCV003167789.18), dbSNP rs781512324, ClinGen allele CA3653619.

ClinVar aggregate classification (germline): Conflicting classifications of pathogenicity. Review status: criteria provided, conflicting classifications (1 of 4 stars). 2 submissions from 2 submitters: Uncertain significance (1); Likely benign (1). Last evaluated 2024-07-01.

Conditions:
Inborn genetic diseases. Identifiers: MedGen C0950123, MeSH D030342.

Allele frequency attached by ClinVar (database versions not stated): ExAC 0.00260.

Submissions (2):

CeGaT Center for Human Genetics Tuebingen
Classification: Likely benign. Last evaluated: 2024-07-01. Review status: criteria provided, single submitter. Criteria: CeGaT Center For Human Genetics Tuebingen Variant Classification Criteria Version 2. Collection method: clinical testing. Allele origin: germline. Affected: yes. Observed: 1 variant allele.
Comment: SOX4: PP3, BS2

Ambry Genetics
Classification: Uncertain significance for Inborn genetic diseases. Last evaluated: 2023-09-29. Review status: criteria provided, single submitter. Criteria: Ambry Variant Classification Scheme 2023. Collection method: clinical testing. Allele origin: germline.